The following is an entry in ClinVar:

NM_015271.5(TRIM2):c.1002del (p.Gly334_Leu335insTer)

Gene: TRIM2 (tripartite motif containing 2; plus strand). Cytogenetic location: 4q31.3.
Variant type: Deletion.
Coding change: c.1002del on transcript NM_015271.5 (MANE Select); coding-DNA position 1002, one base deleted (G; older notation c.1002delG).
Protein change: p.Gly334_Leu335insTer.
Molecular consequence: frameshift variant.
Genome position (GRCh38, 1-based): chr4:153,295,528, G deleted; the last of 4 consecutive G bases (chr4:153,295,525-153,295,528); deleting any one gives the same sequence. VCF-style (leftmost placement, unchanged base first): chr4-153295524-AG-A. GRCh37 (hg19) VCF-style: chr4-154216676-AG-A.
Other names: c.921del, p.Gly307_Leu308insTer (NM_001130067.2, NM_001351056.2, NM_001375512.1 and 5 more transcripts); c.975del, p.Gly325_Leu326insTer (NM_001351054.2); c.972del, p.Gly324_Leu325insTer (NM_001351055.2); c.546del, p.Gly182_Leu183insTer (NM_001351057.2); c.1095del, p.Gly365_Leu366insTer (NM_001375488.1); c.1092del, p.Gly364_Leu365insTer (NM_001375489.1); c.945del, p.Gly315_Leu316insTer (NM_001375490.1); c.942del, p.Gly314_Leu315insTer (NM_001375491.1); and 3 more.
Identifiers: ClinVar variation 2105985 (VCV002105985.4), dbSNP rs2546527771, ClinGen allele CA2580071621.

ClinVar aggregate classification (germline): Uncertain significance (1 of 4 stars; one submission).

Conditions:
Charcot-Marie-Tooth disease type 2R. Also called: CHARCOT-MARIE-TOOTH DISEASE, AXONAL, AUTOSOMAL RECESSIVE, TYPE 2R; Charcot-Marie-Tooth disease, axonal, type 2R; CHARCOT-MARIE-TOOTH NEUROPATHY, TYPE 2R. Identifiers: Orphanet 397968, MedGen C3809655, MONDO:0014208, OMIM 615490.

Submission:

Labcorp Genetics (formerly Invitae), Labcorp
Classification: Uncertain significance for Charcot-Marie-Tooth disease type 2R. Last evaluated: 2022-06-22. Review status: criteria provided, single submitter. Criteria: Invitae Variant Classification Sherloc (09022015). Collection method: clinical testing. Allele origin: germline.
Comment: This sequence change creates a premature translational stop signal (p.Leu308*) in the TRIM2 gene. It is expected to result in an absent or disrupted protein product. However, the current clinical and genetic evidence is not sufficient to establish whether loss-of-function variants in TRIM2 cause disease. This variant is not present in population databases (gnomAD no frequency). This variant has not been reported in the literature in individuals affected with TRIM2-related conditions. In summary, the available evidence is currently insufficient to determine the role of this variant in disease. Therefore, it has been classified as a Variant of Uncertain Significance.